The following is an entry in ClinVar:

NM_000038.6(APC):c.5669del (p.Glu1889_Ser1890insTer)

Gene: APC (APC regulator of Wnt signaling pathway; plus strand). Cytogenetic location: 5q22.2.
Variant type: Deletion.
Coding change: c.5669del on transcript NM_000038.6 (MANE Select); coding-DNA position 5669, one base deleted (C; older notation c.5669delC).
Protein change: p.Glu1889_Ser1890insTer.
Molecular consequence: nonsense. On other transcripts: non-coding transcript variant (2).
Genome position (GRCh38, 1-based): chr5:112,841,263, C deleted. VCF-style (leftmost placement, unchanged base first): chr5-112841262-TC-T. GRCh37 (hg19) VCF-style: chr5-112176959-TC-T.
Other names: c.5669del, p.Glu1889_Ser1890insTer (NM_001127510.3, NM_001354895.2, NM_001407450.1); c.5615del, p.Glu1871_Ser1872insTer (NM_001127511.3); c.5723del, p.Glu1907_Ser1908insTer (NM_001354896.2, NM_001407447.1, NM_001407448.1 and 1 more transcripts); c.5699del, p.Glu1899_Ser1900insTer (NM_001354897.2); c.5594del, p.Glu1864_Ser1865insTer (NM_001354898.2); c.5585del, p.Glu1861_Ser1862insTer (NM_001354899.2); c.5546del, p.Glu1848_Ser1849insTer (NM_001354900.2); c.5492del, p.Glu1830_Ser1831insTer (NM_001354901.2, NM_001407453.1); and 12 more.
Identifiers: ClinVar variation 3254190 (VCV003254190.2), dbSNP rs2533659069.
Genomic context (GRCh38, chr5:112,841,262, plus strand): 5'-GATGATGTTGACCTTTCCAGGGAAAAGGCTGAATTAAGAAAGGCAAAAGAAAATAAGGAA[TC>T]AGAGGCTAAAGTTACCAGCCACACAGAACTAACCTCCAACCAACAATCAGCTAATAAGAC-3'

ClinVar aggregate classification (germline): Pathogenic/Likely pathogenic. Review status: criteria provided, multiple submitters, no conflicts (2 of 4 stars). 2 submissions from 2 submitters: Pathogenic (1); Likely pathogenic (1). Last evaluated 2024-09-10.

Conditions:
Hereditary cancer-predisposing syndrome. Also called: Hereditary Cancer Syndrome; Tumor predisposition; Hereditary neoplastic syndrome; Neoplastic Syndromes, Hereditary. Identifiers: Orphanet 140162, MedGen C0027672, MeSH D009386, MONDO:0015356.
Familial adenomatous polyposis 1 (FAP1). Also called: FAMILIAL ADENOMATOUS POLYPOSIS 1, ATTENUATED; POLYPOSIS, ADENOMATOUS INTESTINAL. Identifiers: MedGen C2713442, MONDO:0021056, OMIM 175100. Disease mechanism: loss of function.

Submissions (2):

Ambry Genetics
Classification: Likely pathogenic for Hereditary cancer-predisposing syndrome. Last evaluated: 2024-09-10. Review status: criteria provided, single submitter. Criteria: Ambry Variant Classification Scheme 2023. Collection method: clinical testing. Allele origin: germline.
Comment: The c.5669delC variant, located in coding exon 15 of the APC gene, results from a deletion of one nucleotide at nucleotide position 5669, causing a translational frameshift with a predicted alternate stop codon (p.S1890*). This alteration occurs at the 3' terminus of theAPC gene, is not expected to trigger nonsense-mediated mRNA decay, and only impacts the last 33% of the protein. However, premature stop codons are typically deleterious in nature, the impacted region is critical for protein function, and a significant portion of the protein is affected (Ambry internal data). This variant is considered to be rare based on population cohorts in the Genome Aggregation Database (gnomAD). Based on the majority of available evidence to date, this variant is likely to be pathogenic.

Myriad Genetics, Inc.
Classification: Pathogenic for Familial adenomatous polyposis 1. Last evaluated: 2024-06-12. Review status: criteria provided, single submitter. Criteria: Myriad Autosomal Dominant, Autosomal Recessive and X-Linked Classification Criteria (2023). Collection method: clinical testing. Allele origin: unknown.
Comment: This variant is considered pathogenic. This variant creates a termination codon and is predicted to result in premature protein truncation.